The following is an entry in ClinVar:

NM_198576.4(AGRN):c.3598G>T (p.Val1200Phe)

Gene: AGRN (agrin; plus strand). Cytogenetic location: 1p36.33.
Variant type: single nucleotide variant.
Coding change: c.3598G>T on transcript NM_198576.4 (MANE Select); coding-DNA position 3598, G replaced by T.
Protein change: p.Val1200Phe; replaces valine 1200 with phenylalanine.
Molecular consequence: missense variant.
Genome position (GRCh38, 1-based): chr1:1,047,654, G>T. VCF-style: chr1-1047654-G-T. GRCh37 (hg19) VCF-style: chr1-983034-G-T.
Other names: c.3598G>T, p.Val1200Phe (NM_001305275.2); c.3283G>T, p.Val1095Phe (NM_001364727.2); short protein forms V1095F, V1200F.
Identifiers: ClinVar variation 1432323 (VCV001432323.7), dbSNP rs755901578, ClinGen allele CA337850883.

ClinVar aggregate classification (germline): Uncertain significance (1 of 4 stars; one submission).

Conditions:
Congenital myasthenic syndrome 8. Also called: Myasthenic syndrome, congenital, 8, with pre- and postsynaptic defects; MYASTHENIC SYNDROME, CONGENITAL, DUE TO AGRIN DEFICIENCY. Identifiers: Orphanet 590, MedGen C3808739, MONDO:0014052, OMIM 615120.

gnomAD v4.1: 1 of 1,613,082 alleles (0.000062%); highest among the groups gnomAD compares: African/African-American, 0.0013%; no homozygotes.

Submission:

Labcorp Genetics (formerly Invitae), Labcorp
Classification: Uncertain significance for Congenital myasthenic syndrome 8. Last evaluated: 2022-02-04. Review status: criteria provided, single submitter. Criteria: Invitae Variant Classification Sherloc (09022015). Collection method: clinical testing. Allele origin: germline.
Comment: In summary, the available evidence is currently insufficient to determine the role of this variant in disease. Therefore, it has been classified as a Variant of Uncertain Significance. Algorithms developed to predict the effect of missense changes on protein structure and function are either unavailable or do not agree on the potential impact of this missense change (SIFT: "Deleterious"; PolyPhen-2: "Probably Damaging"; Align-GVGD: "Class C0"). This variant has not been reported in the literature in individuals affected with AGRN-related conditions. This variant is not present in population databases (gnomAD no frequency). This sequence change replaces valine, which is neutral and non-polar, with phenylalanine, which is neutral and non-polar, at codon 1200 of the AGRN protein (p.Val1200Phe).